The following is an entry in ClinVar:

ClinVar aggregate classification (germline): Pathogenic (1 of 4 stars; one submission).

Conditions:
Familial focal epilepsy with variable foci (FPEVF). Identifiers: Orphanet 98820, MedGen C1858477, MONDO:0020310.

Submission:

Labcorp Genetics (formerly Invitae), Labcorp
Classification: Pathogenic for Familial focal epilepsy with variable foci. Last evaluated: 2021-11-26. Review status: criteria provided, single submitter. Criteria: Invitae Variant Classification Sherloc (09022015). Collection method: clinical testing. Allele origin: germline.
Comment: This sequence change creates a premature translational stop signal (p.Glu60Lysfs*14) in the DEPDC5 gene. It is expected to result in an absent or disrupted protein product. Loss-of-function variants in DEPDC5 are known to be pathogenic (PMID: 23542697, 23542701). This variant is not present in population databases (gnomAD no frequency). This variant has not been reported in the literature in individuals affected with DEPDC5-related conditions. For these reasons, this variant has been classified as Pathogenic.

Literature cited by the submitters: PubMed 23542697; PubMed 23542701.

NM_001242896.3(DEPDC5):c.178del (p.Glu60fs)

Gene: DEPDC5 (DEP domain containing 5, GATOR1 subcomplex subunit; plus strand). Cytogenetic location: 22q12.2.
Variant type: Deletion.
Coding change: c.178del on transcript NM_001242896.3 (MANE Select); coding-DNA position 178, one base deleted (G; older notation c.178delG).
Protein change: p.Glu60fs; shifts the reading frame from glutamic acid 60.
Molecular consequence: frameshift variant. On other transcripts: non-coding transcript variant (5).
Genome position (GRCh38, 1-based): chr22:31,760,687, G deleted; the last of 2 consecutive G bases (chr22:31,760,686-31,760,687); deleting either gives the same sequence. VCF-style (leftmost placement, unchanged base first): chr22-31760685-AG-A. GRCh37 (hg19) VCF-style: chr22-32156671-AG-A.
Other names: c.178del, p.Glu60fs (NM_001136029.4, NM_001242897.2, NM_001363852.2 and 9 more transcripts); short protein forms E60fs.
Identifiers: ClinVar variation 1402689 (VCV001402689.6), dbSNP rs2148027711, ClinGen allele CA2573158139.